The following is an entry in ClinVar:

NM_001267727.2(ARSG):c.37G>T (p.Val13Leu)

Gene: ARSG (arylsulfatase G; plus strand). Cytogenetic location: 17q24.2.
Variant type: single nucleotide variant.
Coding change: c.37G>T on transcript NM_001267727.2 (MANE Select); coding-DNA position 37, G replaced by T.
Protein change: p.Val13Leu; replaces valine 13 with leucine.
Molecular consequence: missense variant.
Genome position (GRCh38, 1-based): chr17:68,307,530, G>T. VCF-style: chr17-68307530-G-T. GRCh37 (hg19) VCF-style: chr17-66303671-G-T.
Other names: c.37G>T, p.Val13Leu (NM_001352899.2, NM_001352900.2, NM_001352901.2 and 9 more transcripts); short protein forms V13L.
Identifiers: ClinVar variation 1464808 (VCV001464808.6), dbSNP rs1293164493, ClinGen allele CA400745863.

ClinVar aggregate classification (germline): Uncertain significance (1 of 4 stars; one submission).

Submission:

Labcorp Genetics (formerly Invitae), Labcorp
Classification: Uncertain significance. Last evaluated: 2024-10-25. Review status: criteria provided, single submitter. Criteria: Invitae Variant Classification Sherloc (09022015). Collection method: clinical testing. Allele origin: germline.
Comment: This sequence change replaces valine, which is neutral and non-polar, with leucine, which is neutral and non-polar, at codon 13 of the ARSG protein (p.Val13Leu). This variant is not present in population databases (gnomAD no frequency). This variant has not been reported in the literature in individuals affected with ARSG-related conditions. ClinVar contains an entry for this variant (Variation ID: 1464808). An algorithm developed to predict the effect of missense changes on protein structure and function outputs the following: PolyPhen-2: "Benign". The leucine amino acid residue is found in multiple mammalian species, which suggests that this missense change does not adversely affect protein function. In summary, the available evidence is currently insufficient to determine the role of this variant in disease. Therefore, it has been classified as a Variant of Uncertain Significance.